The following is an entry in ClinVar:

NM_176869.3(PPA2):c.340A>G (p.Met114Val)

Gene: PPA2 (inorganic pyrophosphatase 2; minus strand). Cytogenetic location: 4q24.
Variant type: single nucleotide variant.
Coding change: c.340A>G on transcript NM_176869.3 (MANE Select); coding-DNA position 340, A replaced by G.
Protein change: p.Met114Val; replaces methionine 114 with valine.
Molecular consequence: missense variant. On other transcripts: intron variant (2).
Genome position (GRCh38, 1-based): chr4:105,446,484, T>C on the plus strand (A>G on the coding strand, the complement: PPA2 is on the minus strand). VCF-style: chr4-105446484-T-C. GRCh37 (hg19) VCF-style: chr4-106367641-T-C.
Other names: c.340A>G, p.Met114Val (NM_006903.4); c.157+27410A>G (NM_176867.3); c.222+10197A>G (NM_176866.2); short protein forms M114V.
Identifiers: ClinVar variation 1048572 (VCV001048572.7), dbSNP rs375129675, ClinGen allele CA3032575.

ClinVar aggregate classification (germline): Conflicting classifications of pathogenicity. Review status: criteria provided, conflicting classifications (1 of 4 stars). 3 submissions from 2 submitters: Pathogenic (1); Uncertain significance (2). Last evaluated 2026-01-14.

Conditions:
Sudden cardiac failure, alcohol-induced (SCFAI). Identifiers: MedGen C4310663, MONDO:0014974, OMIM 617223.
Sudden cardiac failure, infantile (SCFI). Identifiers: MedGen C4310664, MONDO:0014973, OMIM 617222.

Allele frequency attached by ClinVar (database versions not stated): gnomAD 0.00002; TOPMed 0.00002; ESP Exome Variant Server 0.00008.

Submissions (3):

Labcorp Genetics (formerly Invitae), Labcorp
Classification: Pathogenic. Last evaluated: 2026-01-14. Review status: criteria provided, single submitter. Criteria: Invitae Variant Classification Sherloc (09022015). Collection method: clinical testing. Allele origin: germline.
Comment: This sequence change replaces methionine, which is neutral and non-polar, with valine, which is neutral and non-polar, at codon 114 of the PPA2 protein (p.Met114Val). This variant is present in population databases (rs375129675, gnomAD 0.003%). This missense change has been observed in individual(s) with cardiomyopathy, mitochondrial, and sudden cardiac death (PMID: 34400813). In at least one individual the data is consistent with being in trans (on the opposite chromosome) from a pathogenic variant. It has also been observed to segregate with disease in related individuals. ClinVar contains an entry for this variant (Variation ID: 1048572). Invitae Evidence Modeling of protein sequence and biophysical properties (such as structural, functional, and spatial information, amino acid conservation, physicochemical variation, residue mobility, and thermodynamic stability) has been performed for this missense variant. However, the output from this modeling did not meet the statistical confidence thresholds required to predict the impact of this variant on PPA2 protein function. For these reasons, this variant has been classified as Pathogenic.

PPA2 laboratory, University of Otago
Classification: Uncertain significance for Sudden cardiac failure, infantile. Last evaluated: 2021-03-02. Review status: criteria provided, single submitter. Criteria: ACMG Guidelines, 2015. Collection method: research. Allele origin: germline. Affected: yes.

PPA2 laboratory, University of Otago
Classification: Uncertain significance for Sudden cardiac failure, alcohol-induced. Last evaluated: 2021-03-02. Review status: criteria provided, single submitter. Criteria: ACMG Guidelines, 2015. Collection method: research. Allele origin: germline. Affected: yes.

Literature cited by the submitters: PubMed 34400813 (cited by Labcorp Genetics (formerly Invitae), Labcorp).